The following is an entry in ClinVar:

ClinVar aggregate classification (germline): Uncertain significance. Review status: criteria provided, multiple submitters, no conflicts (2 of 4 stars). 3 submissions from 3 submitters: Uncertain significance (3). Last evaluated 2025-01-23.

Conditions:
Congenital muscular dystrophy due to integrin alpha-7 deficiency. Also called: Congenital muscular dystrophy with integrin alpha-7 deficiency; Muscular dystrophy, congenital, due to ITGA7 deficiency; MYOPATHY, CONGENITAL, DUE TO INTEGRIN ALPHA-7 DEFICIENCY. Identifiers: Orphanet 34520, MedGen C2750786, MONDO:0013177, OMIM 613204.

Allele frequency attached by ClinVar (database versions not stated): gnomAD 0.00001; gnomAD exomes 0.00001 and 0.00002; TOPMed 0.00001; ExAC 0.00003.
gnomAD v4.1: 32 of 1,614,088 alleles (0.002%); highest among the groups gnomAD compares: Middle Eastern, 0.016%; no homozygotes.

Submissions (3):

Labcorp Genetics (formerly Invitae), Labcorp
Classification: Uncertain significance for Congenital muscular dystrophy due to integrin alpha-7 deficiency. Last evaluated: 2025-01-23. Review status: criteria provided, single submitter. Criteria: Invitae Variant Classification Sherloc (09022015). Collection method: clinical testing. Allele origin: germline.
Comment: This sequence change replaces glycine, which is neutral and non-polar, with serine, which is neutral and polar, at codon 826 of the ITGA7 protein (p.Gly826Ser). This variant is present in population databases (rs761965919, gnomAD 0.003%). This variant has not been reported in the literature in individuals affected with ITGA7-related conditions. ClinVar contains an entry for this variant (Variation ID: 943593). Invitae Evidence Modeling of protein sequence and biophysical properties (such as structural, functional, and spatial information, amino acid conservation, physicochemical variation, residue mobility, and thermodynamic stability) indicates that this missense variant is expected to disrupt ITGA7 protein function with a positive predictive value of 80%. In summary, the available evidence is currently insufficient to determine the role of this variant in disease. Therefore, it has been classified as a Variant of Uncertain Significance.

Blueprint Genetics
Classification: Uncertain significance. Last evaluated: 2024-04-09. Review status: criteria provided, single submitter. Criteria: ACMG Guidelines, 2015. Collection method: clinical testing. Allele origin: germline.

Revvity Omics, Revvity
Classification: Uncertain significance for Congenital muscular dystrophy due to integrin alpha-7 deficiency. Last evaluated: 2020-07-17. Review status: criteria provided, single submitter. Criteria: ACMG Guidelines, 2015. Collection method: clinical testing. Allele origin: germline.

NM_002206.3(ITGA7):c.2476G>A (p.Gly826Ser)

Genes: ITGA7 (integrin subunit alpha 7; minus strand), LOC126861535 (CDK7 strongly-dependent group 2 enhancer GRCh37_chr12:56087579-56088778; plus strand). Cytogenetic location: 12q13.2.
Variant type: single nucleotide variant.
Coding change: c.2476G>A on transcript NM_002206.3 (MANE Select); coding-DNA position 2476, G replaced by A.
Protein change: p.Gly826Ser; replaces glycine 826 with serine.
Molecular consequence: missense variant.
Genome position (GRCh38, 1-based): chr12:55,694,080, C>T on the plus strand (G>A on the coding strand, the complement: ITGA7 is on the minus strand). VCF-style: chr12-55694080-C-T. GRCh37 (hg19) VCF-style: chr12-56087864-C-T.
Other names: c.2488G>A, p.Gly830Ser (NM_001144996.2); c.2197G>A, p.Gly733Ser (NM_001144997.2); c.2149G>A, p.Gly717Ser (NM_001367993.1); c.1132G>A, p.Gly378Ser (NM_001367994.1); c.2458G>A, p.Gly820Ser (NM_001374465.1); c.2608G>A, p.Gly870Ser (NM_001410977.1); c.2470G>A, p.Gly824Ser (NM_001414029.1); c.2401G>A, p.Gly801Ser (NM_001414030.1); and 5 more; short protein forms G378S, G830S, G820S, G826S, G733S, G717S, G870S, G713S.
Identifiers: ClinVar variation 943593 (VCV000943593.11), dbSNP rs761965919, ClinGen allele CA6615583.
Genomic context (GRCh38, chr12:55,694,080, plus strand): 5'-CCGTGACCTCATACTTGACCTTGCTGCCCACATCCCGCTCAGACTGCATGGCTCTCTCGC[C>T]CCTCACCACACCAGAGAAGAAGAGTTGCTGGGGAATGGCCATTCTGGCGTGGAGAGGTCA-3'
Protein context (NP_002197.2, residues 816-836): QQLFFSGVVR[Gly826Ser]ERAMQSERDV